The following is an entry in ClinVar:

ClinVar aggregate classification (germline): Uncertain significance (1 of 4 stars; one submission).

Conditions:
Fanconi anemia (FA). Also called: Fanconi's anemia. Identifiers: Orphanet 84, MedGen C0015625, MeSH D005199, MONDO:0019391.

Submission:

Labcorp Genetics (formerly Invitae), Labcorp
Classification: Uncertain significance for Fanconi anemia. Last evaluated: 2022-07-17. Review status: criteria provided, single submitter. Criteria: Invitae Variant Classification Sherloc (09022015). Collection method: clinical testing. Allele origin: germline.
Comment: This variant, c.2867_2869del, results in the deletion of 1 amino acid(s) of the FANCD2 protein (p.Glu956del), but otherwise preserves the integrity of the reading frame. This variant is not present in population databases (gnomAD no frequency). This variant has not been reported in the literature in individuals affected with FANCD2-related conditions. ClinVar contains an entry for this variant (Variation ID: 1508760). Experimental studies and prediction algorithms are not available or were not evaluated, and the functional significance of this variant is currently unknown. In summary, the available evidence is currently insufficient to determine the role of this variant in disease. Therefore, it has been classified as a Variant of Uncertain Significance.

NM_001018115.3(FANCD2):c.2867_2869del (p.Glu956del)

Genes: FANCD2 (FA complementation group D2; plus strand), LOC107303338 (3p25 FANCD2 Alu-mediated recombination region; plus strand). Cytogenetic location: 3p25.3.
Variant type: Deletion.
Coding change: c.2867_2869del on transcript NM_001018115.3 (MANE Select); coding-DNA positions 2867 to 2869, 3 bases deleted (AAG; older notation c.2867_2869delAAG).
Protein change: p.Glu956del; deletes glutamic acid 956.
Molecular consequence: inframe deletion.
Genome position (GRCh38, 1-based): chr3:10,078,088-10,078,090, AAG deleted; deleting any 3 consecutive bases within chr3:10,078,086-10,078,090 gives the same sequence; the c. name uses the placement nearest the transcript's 3' end. VCF-style (leftmost placement, unchanged base first): chr3-10078085-CAGA-C. GRCh37 (hg19) VCF-style: chr3-10119769-CAGA-C.
Other names: c.2867_2869del, p.Glu956del (NM_001319984.2, NM_001374254.1, NM_033084.6); c.2756_2758del, p.Glu919del (NM_001374253.1); short protein forms E919del, E956del.
Identifiers: ClinVar variation 1508760 (VCV001508760.5), dbSNP rs1693630743, ClinGen allele CA1345036159.